The following is an entry in ClinVar:

ClinVar aggregate classification (germline): Pathogenic (1 of 4 stars; one submission).

gnomAD v4.1: 1 of 1,548,352 alleles (0.000065%); no homozygotes.

Submission:

GeneDx
Classification: Pathogenic. Last evaluated: 2024-06-13. Review status: criteria provided, single submitter. Criteria: GeneDx Variant Classification Process June 2021. Collection method: clinical testing. Allele origin: germline. Affected: yes.
Comment: Not observed at significant frequency in large population cohorts (gnomAD); In silico analysis supports that this missense variant has a deleterious effect on protein structure/function; Has not been previously published as pathogenic or benign to our knowledge

NM_001353345.2(SETD1B):c.1663C>T (p.Arg555Trp)

Gene: SETD1B (SET domain containing 1B, histone lysine methyltransferase; plus strand). Cytogenetic location: 12q24.31.
Variant type: single nucleotide variant.
Coding change: c.1663C>T on transcript NM_001353345.2 (MANE Select); coding-DNA position 1663, C replaced by T.
Protein change: p.Arg555Trp; replaces arginine 555 with tryptophan.
Molecular consequence: missense variant.
Genome position (GRCh38, 1-based): chr12:121,810,608, C>T. VCF-style: chr12-121810608-C-T. GRCh37 (hg19) VCF-style: chr12-122248514-C-T.
Other names: short protein forms R555W.
Identifiers: ClinVar variation 3390637 (VCV003390637.1).